The following is an entry in ClinVar:

ClinVar aggregate classification (germline): Uncertain significance. Review status: criteria provided, multiple submitters, no conflicts (2 of 4 stars). 2 submissions from 2 submitters: Uncertain significance (2). Last evaluated 2025-01-09.

Conditions:
Inborn genetic diseases. Identifiers: MedGen C0950123, MeSH D030342.
Tenorio syndrome (TNORS). Also called: OVERGROWTH, MACROCEPHALY, AND INTELLECTUAL DISABILITY SYNDROME. Identifiers: MedGen C4015710, MONDO:0014553, OMIM 616260.

Allele frequency attached by ClinVar (database versions not stated): gnomAD exomes 0.00001.
gnomAD v4.1: 3 of 1,603,282 alleles (0.00019%); highest among the groups gnomAD compares: Admixed American, 0.0052%; no homozygotes.

Submissions (2):

Ambry Genetics
Classification: Uncertain significance for Inborn genetic diseases. Last evaluated: 2025-01-09. Review status: criteria provided, single submitter. Criteria: Ambry Variant Classification Scheme 2023. Collection method: clinical testing. Allele origin: germline.

Labcorp Genetics (formerly Invitae), Labcorp
Classification: Uncertain significance for Tenorio syndrome. Last evaluated: 2021-04-09. Review status: criteria provided, single submitter. Criteria: Invitae Variant Classification Sherloc (09022015). Collection method: clinical testing. Allele origin: germline.
Comment: In summary, the available evidence is currently insufficient to determine the role of this variant in disease. Therefore, it has been classified as a Variant of Uncertain Significance. Algorithms developed to predict the effect of missense changes on protein structure and function are either unavailable or do not agree on the potential impact of this missense change (SIFT: "Tolerated"; PolyPhen-2: "Probably Damaging"; Align-GVGD: "Class C0"). This variant has not been reported in the literature in individuals with RNF125-related conditions. This variant is not present in population databases (ExAC no frequency). This sequence change replaces serine with proline at codon 59 of the RNF125 protein (p.Ser59Pro). The serine residue is moderately conserved and there is a moderate physicochemical difference between serine and proline.

NM_017831.4(RNF125):c.175T>C (p.Ser59Pro)

Gene: RNF125 (ring finger protein 125; plus strand). Cytogenetic location: 18q12.1.
Variant type: single nucleotide variant.
Coding change: c.175T>C on transcript NM_017831.4 (MANE Select); coding-DNA position 175, T replaced by C.
Protein change: p.Ser59Pro; replaces serine 59 with proline.
Molecular consequence: missense variant.
Genome position (GRCh38, 1-based): chr18:32,037,126, T>C. VCF-style: chr18-32037126-T-C. GRCh37 (hg19) VCF-style: chr18-29617089-T-C.
Other names: c.175T>C (NM_017831.3); short protein forms S59P.
Identifiers: ClinVar variation 1421722 (VCV001421722.9), dbSNP rs1161192022, ClinGen allele CA402254223.
Genomic context (GRCh38, chr18:32,037,126, plus strand): 5'-TCCTTATAGCTTTCAAGGAAAGTGATGTATTTTTGGTCTGTTTGGGGTAGATTCTGCCGT[T>C]CCTGTATTGCTACCAGTCTAAAGAACAACAAGTGGACCTGTCCTTATTGCCGGGCATATC-3'
Protein context (NP_060301.2, residues 49-69): RTRCGHVFCR[Ser59Pro]CIATSLKNNK